The following is an entry in ClinVar:

NM_004304.5(ALK):c.4367C>T (p.Pro1456Leu)

Gene: ALK (ALK receptor tyrosine kinase; minus strand). Cytogenetic location: 2p23.2.
Variant type: single nucleotide variant.
Coding change: c.4367C>T on transcript NM_004304.5 (MANE Select); coding-DNA position 4367, C replaced by T.
Protein change: p.Pro1456Leu; replaces proline 1456 with leucine.
Molecular consequence: missense variant.
Genome position (GRCh38, 1-based): chr2:29,193,720, G>A on the plus strand (C>T on the coding strand, the complement: ALK is on the minus strand). VCF-style: chr2-29193720-G-A. GRCh37 (hg19) VCF-style: chr2-29416586-G-A.
Other names: c.1163C>T, p.Pro388Leu (NM_001353765.2); short protein forms P388L, P1456L.
Identifiers: ClinVar variation 843700 (VCV000843700.11), dbSNP rs944804641, ClinGen allele CA44635112.

ClinVar aggregate classification (germline): Conflicting classifications of pathogenicity. Review status: criteria provided, conflicting classifications (1 of 4 stars). 3 submissions from 3 submitters: Uncertain significance (2); Likely benign (1). Last evaluated 2025-11-17.

Conditions:
Hereditary cancer-predisposing syndrome. Also called: Neoplastic Syndromes, Hereditary; Hereditary neoplastic syndrome; Tumor predisposition; Hereditary Cancer Syndrome. Identifiers: Orphanet 140162, MedGen C0027672, MeSH D009386, MONDO:0015356.
Neuroblastoma, susceptibility to, 3. Also called: ALK-Related Neuroblastic Tumor Susceptibility. Identifiers: Orphanet 635, MedGen C2751681, MONDO:0013083, OMIM 613014.

Allele frequency attached by ClinVar (database versions not stated): gnomAD exomes below 0.00001.
gnomAD v4.1: 3 of 1,607,530 alleles (0.00019%); highest among the groups gnomAD compares: Non-Finnish European, 0.00026%; no homozygotes.

Submissions (3):

Labcorp Genetics (formerly Invitae), Labcorp
Classification: Uncertain significance for Neuroblastoma, susceptibility to, 3. Last evaluated: 2025-11-17. Review status: criteria provided, single submitter. Criteria: Invitae Variant Classification Sherloc (09022015). Collection method: clinical testing. Allele origin: germline.
Comment: This sequence change replaces proline, which is neutral and non-polar, with leucine, which is neutral and non-polar, at codon 1456 of the ALK protein (p.Pro1456Leu). This variant is present in population databases (no rsID available, gnomAD 0.0009%). This variant has not been reported in the literature in individuals affected with ALK-related conditions. ClinVar contains an entry for this variant (Variation ID: 843700). An algorithm developed to predict the effect of missense changes on protein structure and function (PolyPhen-2) suggests that this variant is likely to be tolerated. In summary, the available evidence is currently insufficient to determine the role of this variant in disease. Therefore, it has been classified as a Variant of Uncertain Significance.

Ambry Genetics
Classification: Likely benign for Hereditary cancer-predisposing syndrome. Last evaluated: 2025-05-19. Review status: criteria provided, single submitter. Criteria: Ambry Variant Classification Scheme 2023. Collection method: clinical testing. Allele origin: germline.

GeneDx
Classification: Uncertain significance. Last evaluated: 2024-05-08. Review status: criteria provided, single submitter. Criteria: GeneDx Variant Classification Process June 2021. Collection method: clinical testing. Allele origin: germline. Affected: yes.
Comment: Not observed at significant frequency in large population cohorts (gnomAD); In silico analysis indicates that this missense variant does not alter protein structure/function; Has not been previously published as pathogenic or benign to our knowledge